The following is an entry in ClinVar:

ClinVar aggregate classification (germline): Uncertain significance (1 of 4 stars; one submission).

Conditions:
Chuvash polycythemia. Also called: POLYCYTHEMIA, VHL-DEPENDENT. Identifiers: Orphanet 238557, MedGen C1837915, MONDO:0009892, OMIM 263400.
Von Hippel-Lindau syndrome (VHLS). Also called: VHL syndrome; von Hippel–Lindau syndrome; Von Hippel-Lindau. Identifiers: Orphanet 892, MedGen C0019562, MONDO:0008667, OMIM 193300. Disease mechanism: loss of function.

Submission:

Labcorp Genetics (formerly Invitae), Labcorp
Classification: Uncertain significance for Von Hippel-Lindau syndrome; Chuvash polycythemia. Last evaluated: 2025-01-08. Review status: criteria provided, single submitter. Criteria: Invitae Variant Classification Sherloc (09022015). Collection method: clinical testing. Allele origin: germline.
Comment: This sequence change falls in intron 1 of the VHL gene. It is not expected to change the encoded amino acid sequence of the VHL protein. However, this sequence change falls within a cryptic exon in the VHL gene, known as exon E1’, which is naturally expressed at low levels in several human tissues (PMID: 29891534). This variant is not present in population databases (gnomAD no frequency). This variant has not been reported in the literature in individuals affected with VHL-related conditions. Algorithms developed to predict the effect of sequence changes on RNA splicing suggest that this variant is not likely to affect RNA splicing. In summary, the available evidence is currently insufficient to determine the role of this variant in disease. Therefore, it has been classified as a Variant of Uncertain Significance.

Literature cited by the submitters: PubMed 29891534.

NM_000551.4(VHL):c.340+642G>A

Genes: VHL (von Hippel-Lindau tumor suppressor; plus strand), LOC107303340 (3p25 von Hippel-Lindau tumor suppressor, E3 ubiquitin protein ligase Alu-mediated recombination region; plus strand). Cytogenetic location: 3p25.3.
Variant type: single nucleotide variant.
Coding change: c.340+642G>A on transcript NM_000551.4 (MANE Select); 642 bases into the intron after coding-DNA position 340, G replaced by A.
Molecular consequence: intron variant. On other transcripts: missense variant (1), non-coding transcript variant (1).
Genome position (GRCh38, 1-based): chr3:10,142,829, G>A. VCF-style: chr3-10142829-G-A. GRCh37 (hg19) VCF-style: chr3-10184513-G-A.
Other names: c.407G>A, p.Gly136Glu (NM_001354723.2); c.340+642G>A (NM_198156.3); short protein forms G136E.
Identifiers: ClinVar variation 3752040 (VCV003752040.2).